The following is an entry in ClinVar:

ClinVar aggregate classification (germline): Uncertain significance (1 of 4 stars; one submission).

Submission:

Ambry Genetics
Classification: Uncertain significance. Last evaluated: 2024-06-07. Review status: criteria provided, single submitter. Criteria: Ambry Variant Classification Scheme 2023. Collection method: clinical testing. Allele origin: germline.
Comment: The p.F69V variant (also known as c.205T>G), located in coding exon 1 of the KCNE5 gene, results from a T to G substitution at nucleotide position 205. The phenylalanine at codon 69 is replaced by valine, an amino acid with highly similar properties. This amino acid position is conserved. In addition, this alteration is predicted to be tolerated by in silico analysis. Based on the available evidence, the clinical significance of this variant remains unclear.

NM_012282.4(KCNE5):c.205T>G (p.Phe69Val)

Gene: KCNE5 (potassium voltage-gated channel subfamily E regulatory subunit 5; minus strand). Cytogenetic location: Xq23.
Variant type: single nucleotide variant.
Coding change: c.205T>G on transcript NM_012282.4 (MANE Select); coding-DNA position 205, T replaced by G.
Protein change: p.Phe69Val; replaces phenylalanine 69 with valine.
Molecular consequence: missense variant.
Genome position (GRCh38, 1-based): chrX:109,624,816, A>C on the plus strand (T>G on the coding strand, the complement: KCNE5 is on the minus strand). VCF-style: chrX-109624816-A-C. GRCh37 (hg19) VCF-style: chrX-108868045-A-C.
Other names: short protein forms F69V.
Identifiers: ClinVar variation 3287558 (VCV003287558.1).